The following is an entry in ClinVar:

ClinVar aggregate classification (germline): Conflicting classifications of pathogenicity. Review status: criteria provided, conflicting classifications (1 of 4 stars). 2 submissions from 2 submitters: Uncertain significance (1); Likely benign (1). Last evaluated 2023-08-14.

Conditions:
Inborn genetic diseases. Identifiers: MedGen C0950123, MeSH D030342.
Hepatic veno-occlusive disease-immunodeficiency syndrome. Also called: Hepatic Veno-Occlusive Disease with Immunodeficiency. Identifiers: Orphanet 79124, MedGen C1856128, MONDO:0009338, OMIM 235550. Disease mechanism: loss of function.

Allele frequency attached by ClinVar (database versions not stated): gnomAD exomes below 0.00001; gnomAD 0.00001.
gnomAD v4.1: 9 of 1,614,072 alleles (0.00056%); highest among the groups gnomAD compares: Admixed American, 0.0017%; no homozygotes.

Submissions (2):

Ambry Genetics
Classification: Likely benign for Inborn genetic diseases. Last evaluated: 2023-08-14. Review status: criteria provided, single submitter. Criteria: Ambry Variant Classification Scheme 2023. Collection method: clinical testing. Allele origin: germline.

Labcorp Genetics (formerly Invitae), Labcorp
Classification: Uncertain significance for Hepatic veno-occlusive disease-immunodeficiency syndrome. Last evaluated: 2021-09-01. Review status: criteria provided, single submitter. Criteria: Invitae Variant Classification Sherloc (09022015). Collection method: clinical testing. Allele origin: germline.
Comment: This sequence change replaces glycine with aspartic acid at codon 550 of the SP110 protein (p.Gly550Asp). The glycine residue is weakly conserved and there is a moderate physicochemical difference between glycine and aspartic acid. This variant is present in population databases (rs761714428, ExAC 0.001%). This variant has not been reported in the literature in individuals affected with SP110-related conditions. Algorithms developed to predict the effect of missense changes on protein structure and function output the following: SIFT: "Tolerated"; PolyPhen-2: "Benign"; Align-GVGD: "Class C0". The aspartic acid amino acid residue is found in multiple mammalian species, which suggests that this missense change does not adversely affect protein function. In summary, the available evidence is currently insufficient to determine the role of this variant in disease. Therefore, it has been classified as a Variant of Uncertain Significance.

NM_080424.4(SP110):c.1649G>A (p.Gly550Asp)

Gene: SP110 (SP110 nuclear body protein; minus strand). Cytogenetic location: 2q37.1.
Variant type: single nucleotide variant.
Coding change: c.1649G>A on transcript NM_080424.4 (MANE Select); coding-DNA position 1649, G replaced by A.
Protein change: p.Gly550Asp; replaces glycine 550 with aspartic acid.
Molecular consequence: missense variant.
Genome position (GRCh38, 1-based): chr2:230,172,901, C>T on the plus strand (G>A on the coding strand, the complement: SP110 is on the minus strand). VCF-style: chr2-230172901-C-T. GRCh37 (hg19) VCF-style: chr2-231037617-C-T.
Other names: c.1649G>A (NM_004509.3); c.1667G>A, p.Gly556Asp (NM_001378442.1, NM_001378444.1, NM_001378445.1 and 1 more transcripts); c.1649G>A, p.Gly550Asp (NM_001378443.1, NM_004509.5); short protein forms G550D, G556D.
Identifiers: ClinVar variation 1411546 (VCV001411546.6), dbSNP rs761714428, ClinGen allele CA2154395.